The following is an entry in ClinVar:

NM_032578.4(MYPN):c.2662G>A (p.Gly888Arg)

Gene: MYPN (myopalladin; plus strand). Cytogenetic location: 10q21.3.
Variant type: single nucleotide variant.
Coding change: c.2662G>A on transcript NM_032578.4 (MANE Select); coding-DNA position 2662, G replaced by A.
Protein change: p.Gly888Arg; replaces glycine 888 with arginine.
Molecular consequence: missense variant. On other transcripts: non-coding transcript variant (1).
Genome position (GRCh38, 1-based): chr10:68,175,420, G>A. VCF-style: chr10-68175420-G-A. GRCh37 (hg19) VCF-style: chr10-69935177-G-A.
Other names: c.2662G>A, p.Gly888Arg (NM_001256267.2); c.1780G>A, p.Gly594Arg (NM_001256268.2); c.2662G>A (NM_032578.2); short protein forms G594R, G888R.
Identifiers: ClinVar variation 1952530 (VCV001952530.3), dbSNP rs2495805633, ClinGen allele CA376849293.
Genomic context (GRCh38, chr10:68,175,420, plus strand): 5'-CCTCAACCAGTGAATGATGATAACATTCGTGAAACTAAGAACGCAGTGATTCGAGACTTG[G>A]GGAAAAAAATAACTTTCAGTGATGTCAGACCAAACCAGCAGGTAAGATTGTTGGATTTAG-3'
Protein context (NP_115967.2, residues 878-898): ETKNAVIRDL[Gly888Arg]KKITFSDVRP

ClinVar aggregate classification (germline): Uncertain significance. Review status: criteria provided, multiple submitters, no conflicts (2 of 4 stars). 2 submissions from 2 submitters: Uncertain significance (2). Last evaluated 2023-12-26.

Conditions:
Cardiovascular phenotype. Identifiers: MedGen CN230736.
Dilated cardiomyopathy 1KK (CMD1KK). Identifiers: Orphanet 154, Orphanet 75249, MedGen C3714995, MONDO:0014100, OMIM 615248.

Submissions (2):

Ambry Genetics
Classification: Uncertain significance for Cardiovascular phenotype. Last evaluated: 2023-12-26. Review status: criteria provided, single submitter. Criteria: Ambry Variant Classification Scheme 2023. Collection method: clinical testing. Allele origin: germline.
Comment: The p.G888R variant (also known as c.2662G>A), located in coding exon 11 of the MYPN gene, results from a G to A substitution at nucleotide position 2662. The glycine at codon 888 is replaced by arginine, an amino acid with dissimilar properties. This amino acid position is conserved. In addition, this alteration is predicted to be tolerated by in silico analysis. Since supporting evidence is limited at this time, the clinical significance of this alteration remains unclear.

Labcorp Genetics (formerly Invitae), Labcorp
Classification: Uncertain significance for Dilated cardiomyopathy 1KK. Last evaluated: 2022-08-06. Review status: criteria provided, single submitter. Criteria: Invitae Variant Classification Sherloc (09022015). Collection method: clinical testing. Allele origin: germline.
Comment: This sequence change replaces glycine, which is neutral and non-polar, with arginine, which is basic and polar, at codon 888 of the MYPN protein (p.Gly888Arg). This variant is not present in population databases (gnomAD no frequency). This variant has not been reported in the literature in individuals affected with MYPN-related conditions. Algorithms developed to predict the effect of missense changes on protein structure and function are either unavailable or do not agree on the potential impact of this missense change (SIFT: "Tolerated"; PolyPhen-2: "Possibly Damaging"; Align-GVGD: "Class C0"). In summary, the available evidence is currently insufficient to determine the role of this variant in disease. Therefore, it has been classified as a Variant of Uncertain Significance.